The following is an entry in ClinVar:

ClinVar aggregate classification (germline): Likely pathogenic (1 of 4 stars; one submission).

Conditions:
Hereditary factor VIII deficiency disease (HEMA). Also called: AUTOSOMAL HEMOPHILIA A; Hemophilia A; Hemophilia A, congenital; HEM A; Factor 8 deficiency, congenital; HEMOPHILIA, CLASSIC. Identifiers: Orphanet 98878, MedGen C0019069, MONDO:0010602, OMIM 306700.

Submission:

Clinical Genetics Laboratory, Skane University Hospital Lund
Classification: Likely pathogenic for Hereditary factor VIII deficiency disease. Last evaluated: 2026-09-16. Review status: criteria provided, single submitter. Criteria: ACMG Guidelines, 2015. Collection method: clinical testing. Allele origin: germline. Inheritance: X-linked inheritance. Affected: yes.
Comment: F8 (NM_000132.4) c.5252A>G, p.(Lys1751Arg) is a nucleotide substitution in exon 15 of 26, resulting in the amino acid substitution indicated above, which is predicted to be deleterious to protein function. F8 c.5252A>G has not been observed in males in the general population (gnomAD v4.1.1) and has not previously been submitted to ClinVar, but it has been detected in patients with severe hemophilia A (PMID: 18479430, 18371166, and in the present family). The variant has been classified as likely pathogenic using gene-specific criteria (ClinGen Coagulation Factor Deficiency Expert Panel Specifications to the ACMG/AMP Variant Interpretation Guidelines for F8, Version 2.0.0): PS4, PM2_Supporting, PP3.

Literature cited by the submitters: PubMed 18479430; PubMed 18371166.

NM_000132.4(F8):c.5252A>G (p.Lys1751Arg)

Gene: F8 (coagulation factor VIII; minus strand). Cytogenetic location: Xq28.
Variant type: single nucleotide variant.
Coding change: c.5252A>G on transcript NM_000132.4 (MANE Select); coding-DNA position 5252, A replaced by G.
Protein change: p.Lys1751Arg; replaces lysine 1751 with arginine.
Molecular consequence: missense variant.
Genome position (GRCh38, 1-based): chrX:154,906,541, T>C on the plus strand (A>G on the coding strand, the complement: F8 is on the minus strand). VCF-style: chrX-154906541-T-C. GRCh37 (hg19) VCF-style: chrX-154134816-T-C.
Other names: short protein forms K1751R.
Identifiers: ClinVar variation 5021434 (VCV005021434.1).